The following is an entry in ClinVar:

NM_003718.5(CDK13):c.2578C>T (p.Arg860Ter)

Gene: CDK13 (cyclin dependent kinase 13; plus strand). Cytogenetic location: 7p14.1.
Variant type: single nucleotide variant.
Coding change: c.2578C>T on transcript NM_003718.5 (MANE Select); coding-DNA position 2578, C replaced by T.
Protein change: p.Arg860Ter; replaces arginine 860 with a stop codon.
Molecular consequence: nonsense.
Genome position (GRCh38, 1-based): chr7:40,047,855, C>T. VCF-style: chr7-40047855-C-T. GRCh37 (hg19) VCF-style: chr7-40087454-C-T.
Other names: c.2578C>T, p.Arg860Ter (NM_031267.4); short protein forms R860*.
Identifiers: ClinVar variation 1695189 (VCV001695189.35), dbSNP rs775898119, ClinGen allele CA4228732.

ClinVar aggregate classification (germline): Conflicting classifications of pathogenicity. Review status: criteria provided, conflicting classifications (1 of 4 stars). 4 submissions from 4 submitters: Pathogenic (2); Likely pathogenic (1); Uncertain significance (1). Last evaluated 2023-03-02.

Conditions:
Inborn genetic diseases. Identifiers: MedGen C0950123, MeSH D030342.
Congenital heart defects, dysmorphic facial features, and intellectual developmental disorder (CHDFIDD). Identifiers: Orphanet 646278, MedGen C4479246, MONDO:0044302, OMIM 617360.

Allele frequency attached by ClinVar (database versions not stated): gnomAD exomes below 0.00001; ExAC 0.00001.
gnomAD v4.1: 2 of 1,609,906 alleles (0.00012%); highest among the groups gnomAD compares: South Asian, 0.0011%; no homozygotes.

Submissions (4):

Ambry Genetics
Classification: Pathogenic for Inborn genetic diseases. Last evaluated: 2023-03-02. Review status: criteria provided, single submitter. Criteria: Ambry Variant Classification Scheme 2023. Collection method: clinical testing. Allele origin: germline.
Comment: The c.2578C>T (p.R860*) alteration, located in exon 7 (coding exon 7) of the CDK13 gene, consists of a C to T substitution at nucleotide position 2578. This changes the amino acid from an arginine (R) to a stop codon at amino acid position 860. This alteration is expected to result in loss of function by premature protein truncation or nonsense-mediated mRNA decay. Based on data from gnomAD, the T allele has an overall frequency of <0.001% (1/251214) total alleles studied. The highest observed frequency was 0.003% (1/30606) of South Asian alleles. This alteration has been reported in one individual from a cohort of patients with neurodevelopmental disorders (Wang, 2020). Based on the available evidence, this alteration is classified as pathogenic.

GeneDx
Classification: Uncertain significance. Last evaluated: 2023-02-09. Review status: criteria provided, single submitter. Criteria: GeneDx Variant Classification Process June 2021. Collection method: clinical testing. Allele origin: germline. Affected: yes.
Comment: Reported in a proband with a neurodevelopmental disorder who also harbored a de novo variant in the SHANK2 gene (Wang et al., 2020); Nonsense variant predicted to result in protein truncation or nonsense mediated decay in a gene or region of a gene for which loss of function is not a well-established mechanism of disease; This variant is associated with the following publications: (PMID: 33004838, 33989939)

CeGaT Center for Human Genetics Tuebingen
Classification: Likely pathogenic. Last evaluated: 2022-05-01. Review status: criteria provided, single submitter. Criteria: CeGaT Center For Human Genetics Tuebingen Variant Classification Criteria Version 2. Collection method: clinical testing. Allele origin: germline. Affected: yes. Observed: 1 variant allele.
Comment: CDK13: PS2, PVS1:Strong, PM2:Supporting

3billion
Classification: Pathogenic for Congenital heart defects, dysmorphic facial features, and intellectual developmental disorder. Review status: criteria provided, single submitter. Criteria: ACMG Guidelines, 2015. Collection method: clinical testing. Allele origin: unknown. Affected: yes. Observed: 1 heterozygote.
Comment: The variant is observed at an extremely low frequency in the gnomAD v2.1.1 dataset (total allele frequency: <0.001%). The variant is predicted to result in a loss or disruption of normal protein function through nonsense-mediated decay (NMD) or protein truncation. Multiple pathogenic variants are reported downstream of the variant. The variant has been reported to be associated with CDK13 related disorder (ClinVar ID: VCV001695189). Therefore, this variant is classified as Pathogenic according to the recommendation of ACMG/AMP guideline.

Literature cited by the submitters: PubMed 33004838 (cited by Ambry Genetics).